The following is an entry in ClinVar:

NC_000011.9:g.(?_76890171)_(76892077_?)del

Gene: MYO7A (myosin VIIA; plus strand). Cytogenetic location: 11q13.5.
Variant type: Deletion.
Identifiers: ClinVar variation 3244721 (VCV003244721.1).

ClinVar aggregate classification (germline): Likely pathogenic (1 of 4 stars; one submission).

Submission:

Labcorp Genetics (formerly Invitae), Labcorp
Classification: Likely pathogenic. Last evaluated: 2023-09-08. Review status: criteria provided, single submitter. Criteria: Invitae Variant Classification Sherloc (09022015). Collection method: clinical testing. Allele origin: unknown.
Comment: This variant disrupts a region of the MYO7A protein in which other variant(s) (p.Arg895Ser) have been observed in individuals with MYO7A-related conditions (Invitae). This suggests that this is a clinically significant region of the protein, and that variants that disrupt it are likely to be disease-causing. This variant results in the deletion of exons 21-22 and part of exon 20 (c.2363_2695-349del) of the MYO7A gene. It is expected to disrupt RNA splicing. Variants that disrupt the donor or acceptor splice site typically lead to a loss of protein function (PMID: 16199547), and loss-of-function variants in MYO7A are known to be pathogenic (PMID: 8900236, 25404053). This variant has not been reported in the literature in individuals affected with MYO7A-related conditions. In summary, the currently available evidence indicates that the variant is pathogenic, but additional data are needed to prove that conclusively. Therefore, this variant has been classified as Likely Pathogenic.

Literature cited by the submitters: PubMed 16199547; PubMed 8900236; PubMed 25404053.